The following is an entry in ClinVar:

NM_017777.4(MKS1):c.184_190del (p.Thr62fs)

Gene: MKS1 (MKS transition zone complex subunit 1; minus strand). Cytogenetic location: 17q22.
Variant type: Deletion.
Coding change: c.184_190del on transcript NM_017777.4 (MANE Select); coding-DNA positions 184 to 190, 7 bases deleted (ACTGCCA; older notation c.184_190delACTGCCA).
Protein change: p.Thr62fs; shifts the reading frame from threonine 62.
Molecular consequence: frameshift variant. On other transcripts: 5 prime UTR variant (1).
Genome position (GRCh38, 1-based): chr17:58,218,620-58,218,626, TGGCAGT deleted on the plus strand (ACTGCCA on the coding strand, the reverse complement: MKS1 is on the minus strand); deleting any 7 consecutive bases within chr17:58,218,620-58,218,630 gives the same sequence; the c. name uses the placement nearest the transcript's 3' end. VCF-style (leftmost placement, unchanged base first): chr17-58218619-CTGGCAGT-C. GRCh37 (hg19) VCF-style: chr17-56295980-CTGGCAGT-C.
Other names: c.184_190delACTGCCA (NM_017777.3); c.-328_-322del (NM_001321268.2); c.184_190del, p.Thr62fs (NM_001321269.2, NM_001330397.2); c.184_190del7 (NM_017777.3); short protein forms T62fs.
Identifiers: ClinVar variation 56619 (VCV000056619.13), dbSNP rs386834046, ClinGen allele CA344750.
Genomic context (GRCh38, chr17:58,218,619, plus strand): 5'-CCACAATTCTGATTAGTATCATAATTAGTATTAGATGGCACATCACCACCGTAACACCCA[CTGGCAGT>C]TGGCTGAGGCCTAAAAGTGGCCAAGTCTATGAGGTCCTTCCCGAGCTCGGCAGCAGGCTG-3'

ClinVar aggregate classification (germline): Pathogenic/Likely pathogenic. Review status: criteria provided, multiple submitters, no conflicts (2 of 4 stars). 6 submissions from 6 submitters: Pathogenic (2); Likely pathogenic (2). 2 of the submissions do not count toward it. Last evaluated 2026-07-20.

Conditions:
MKS1-related disorder. Also called: MKS1-related disorders; MKS1-related condition. Identifiers: MedGen CN239382.
Joubert syndrome 28 (JBTS28). Identifiers: MedGen C4310705, MONDO:0014928, OMIM 617121.
Meckel syndrome, type 1 (MKS1). Also called: MECKEL-GRUBER SYNDROME, TYPE 1. Identifiers: Orphanet 564, MedGen C3714506, MONDO:0009571, OMIM 249000.
Bardet-Biedl syndrome 13 (BBS13). Identifiers: Orphanet 110, MedGen C2673873, MONDO:0014441, OMIM 615990.
Meckel-Gruber syndrome. Also called: Dysencephalia splachnocystica; DYSENCEPHALIA SPLANCHNOCYSTICA; GRUBER SYNDROME. Identifiers: Orphanet 564, MedGen C0265215, MONDO:0018921.
Joubert syndrome. Also called: Familial aplasia of the vermis; JOUBERT-BOLTSHAUSER SYNDROME. Identifiers: Orphanet 475, MedGen C5979921, MONDO:0018772.

Submissions (6):

PreventionGenetics, part of Exact Sciences
Classification: Pathogenic for MKS1-related condition. Last evaluated: 2026-07-20. Review status: criteria provided, single submitter. Criteria: ACMG Guidelines, 2015. Collection method: clinical testing. Allele origin: germline.
Comment: The MKS1 c.184_190del7 variant is predicted to result in a frameshift and premature protein termination (p.Thr62Valfs*14). This variant has been reported in the compound heterozygous state in an individual with Meckel syndrome (Khaddour et al 2007. PubMed ID: 17397051). This variant has not been reported in gnomad, indicating this variant is rare. Frameshift variants in MKS1 are expected to be pathogenic. This variant is interpreted as pathogenic.

Natera, Inc.
Classification: Likely pathogenic for Meckel syndrome type 1. Last evaluated: 2026-01-30. Review status: criteria provided, single submitter. Criteria: Natera Variant Classification Schema (03/2026). Collection method: clinical testing. Allele origin: germline.
Comment: The c.184_190delACTGCCA variant in MKS1 is a frameshift variant predicted to shift the reading frame beginning at codon 62 and leads to a stop codon 14 codons downstream. This variant is expected to result in nonsense mediated decay, truncation, or a dysfunctional protein product. This variant is rare in the general population with a frequency below the threshold expected for the associated phenotype(s). Given the available evidence, this variant is classified as Likely Pathogenic.

Labcorp Genetics (formerly Invitae), Labcorp
Classification: Pathogenic for Joubert syndrome; Meckel-Gruber syndrome. Last evaluated: 2026-01-06. Review status: criteria provided, single submitter. Criteria: Invitae Variant Classification Sherloc (09022015). Collection method: clinical testing. Allele origin: germline.
Comment: This sequence change creates a premature translational stop signal (p.Thr62Valfs*14) in the MKS1 gene. It is expected to result in an absent or disrupted protein product. Loss-of-function variants in MKS1 are known to be pathogenic (PMID: 19466712, 24886560, 26490104). This variant is not present in population databases (gnomAD no frequency). This premature translational stop signal has been observed in individual(s) with clinical features of Meckel syndrome (PMID: 17397051). ClinVar contains an entry for this variant (Variation ID: 56619). Algorithms developed to predict the effect of sequence changes on RNA splicing suggest that this variant may disrupt the consensus splice site. For these reasons, this variant has been classified as Pathogenic.

Baylor Genetics
Classification: Likely pathogenic for Bardet-Biedl syndrome 13. Last evaluated: 2023-10-16. Review status: criteria provided, single submitter. Criteria: ACMG Guidelines, 2015. Collection method: clinical testing. Allele origin: unknown.

Counsyl
Classification: Likely pathogenic for Meckel syndrome, type 1; Bardet-Biedl syndrome 13; Joubert syndrome 28. Last evaluated: 2018-04-27. Review status: no assertion criteria provided. Collection method: clinical testing. Allele origin: unknown. Not counted in ClinVar's aggregate classification.

Juha Muilu Group; Institute for Molecular Medicine Finland (FIMM)
Classification: Likely pathogenic for Meckel syndrome type1. Review status: no assertion criteria provided. Collection method: not provided. Allele origin: unknown. Not counted in ClinVar's aggregate classification.
Comment: FinDis database variant: This variant was not found or characterized by our laboratory, data were collected from public sources: see reference
ClinVar note: Converted during submission from probable-pathogenic to Likely pathogenic.

Literature cited by the submitters: PubMed 19466712 (cited by Labcorp Genetics (formerly Invitae), Labcorp); PubMed 24886560 (cited by Labcorp Genetics (formerly Invitae), Labcorp); PubMed 26490104 (cited by Labcorp Genetics (formerly Invitae), Labcorp); PubMed 17397051 (cited by Labcorp Genetics (formerly Invitae), Labcorp and Counsyl).